The following is an entry in ClinVar:

ClinVar aggregate classification (germline): Uncertain significance. Review status: criteria provided, multiple submitters, no conflicts (2 of 4 stars). 2 submissions from 2 submitters: Uncertain significance (2). Last evaluated 2025-07-12.

Conditions:
Mucopolysaccharidosis, MPS-III-C (MPS3C). Also called: mucopolysaccharidosis type 3C; MUCOPOLYSACCHARIDOSIS, TYPE IIIC; SANFILIPPO SYNDROME C; MPS III C; Mucopolysaccharidosis type IIIC (Sanfilippo C); MPS IIIC (Sanfilippo Syndrome Type C). Identifiers: Orphanet 581, Orphanet 79271, MedGen C0086649, MONDO:0009657, OMIM 252930.
HGSNAT-related disorder. Also called: HGSNAT-related condition.

Allele frequency attached by ClinVar (database versions not stated): gnomAD exomes 0.00004 and 0.00002; ExAC 0.00006; TOPMed below 0.00001; gnomAD 0.00001 and below 0.00001.
gnomAD v4.1: 35 of 1,613,858 alleles (0.0022%); highest among the groups gnomAD compares: South Asian, 0.036%; no homozygotes.

Submissions (2):

PreventionGenetics, part of Exact Sciences
Classification: Uncertain significance for HGSNAT-related condition. Last evaluated: 2025-07-12. Review status: criteria provided, single submitter. Criteria: ACMG Guidelines, 2015. Collection method: clinical testing. Allele origin: germline.
Comment: The HGSNAT c.268A>G variant is predicted to result in the amino acid substitution p.Ser90Gly. To our knowledge, this variant has not been reported in the literature. This variant is reported in 0.033% of alleles in individuals of South Asian descent in gnomAD. At this time, the clinical significance of this variant is uncertain due to the absence of conclusive functional and genetic evidence.

Illumina Laboratory Services, Illumina
Classification: Uncertain significance for Mucopolysaccharidosis, MPS-III-C. Last evaluated: 2018-01-13. Review status: criteria provided, single submitter. Criteria: ICSL Variant Classification Criteria 13 December 2019. Collection method: clinical testing. Allele origin: germline.

NM_152419.3(HGSNAT):c.268A>G (p.Ser90Gly)

Gene: HGSNAT (heparan-alpha-glucosaminide N-acetyltransferase; plus strand). Cytogenetic location: 8p11.21.
Variant type: single nucleotide variant.
Coding change: c.268A>G on transcript NM_152419.3 (MANE Select); coding-DNA position 268, A replaced by G.
Protein change: p.Ser90Gly; replaces serine 90 with glycine.
Molecular consequence: missense variant. On other transcripts: 5 prime UTR variant (1).
Genome position (GRCh38, 1-based): chr8:43,158,608, A>G. VCF-style: chr8-43158608-A-G. GRCh37 (hg19) VCF-style: chr8-43013751-A-G.
Other names: c.268A>G, p.Ser90Gly (NM_001363227.2, NM_001363228.2); c.-566A>G (NM_001363229.2); short protein forms S90G.
Identifiers: ClinVar variation 911653 (VCV000911653.5), dbSNP rs764229375, ClinGen allele CA4736465.
Genomic context (GRCh38, chr8:43,158,608, plus strand): 5'-GTTGACCTGTTGTGCTTTTATTTACAGTGCTTGTTTCAGGTTCTGGTAAACGTTCCTCAG[A>G]GTCCAAAAGCAGGGAAGCCTAGTGCTGCAGCTGCCTCTGTCAGCACCCAGCACGGATCTA-3'
Protein context (NP_689632.2, residues 80-100): LFQVLVNVPQ[Ser90Gly]PKAGKPSAAA